The following is an entry in ClinVar:

NM_000321.3(RB1):c.2781G>T (p.Glu927Asp)

Gene: RB1 (RB transcriptional corepressor 1; plus strand). Cytogenetic location: 13q14.2.
Variant type: single nucleotide variant.
Coding change: c.2781G>T on transcript NM_000321.3 (MANE Select); coding-DNA position 2781, G replaced by T.
Protein change: p.Glu927Asp; replaces glutamic acid 927 with aspartic acid.
Molecular consequence: missense variant. On other transcripts: 3 prime UTR variant (1).
Genome position (GRCh38, 1-based): chr13:48,480,065, G>T. VCF-style: chr13-48480065-G-T. GRCh37 (hg19) VCF-style: chr13-49054201-G-T.
Other names: c.*28G>T (NM_001407165.1); c.231G>T, p.Glu77Asp (NM_001407168.1); short protein forms E77D, E927D.
Identifiers: ClinVar variation 3075651 (VCV003075651.2), dbSNP rs756634613, ClinGen allele CA037436.
Genomic context (GRCh38, chr13:48,480,065, plus strand): 5'-TCGAACACGAATGCAAAAGCAGAAAATGAATGATAGCATGGATACCTCAAACAAGGAAGA[G>T]AAATGAGGATCTCAGGACCTTGGTGGACACTGTGTACACCTCTGGATTCATTGTCTCTCA-3'
Protein context (NP_000312.2, residues 917-928): NDSMDTSNKE[Glu927Asp]K

ClinVar aggregate classification (germline): Uncertain significance. Review status: criteria provided, multiple submitters, no conflicts (2 of 4 stars). 2 submissions from 2 submitters: Uncertain significance (2). Last evaluated 2024-03-26.

Conditions:
Hereditary cancer-predisposing syndrome. Also called: Neoplastic Syndromes, Hereditary; Tumor predisposition; Hereditary neoplastic syndrome; Hereditary Cancer Syndrome. Identifiers: Orphanet 140162, MedGen C0027672, MeSH D009386, MONDO:0015356.
Retinoblastoma (RB1). Also called: RETINOBLASTOMA, SOMATIC. Identifiers: Orphanet 790, MedGen C0035335, MeSH D012175, MONDO:0008380, OMIM 180200, HP:0009919. Disease mechanism: loss of function. Inheritance: Both sporadic and heritable forms are tested..

Allele frequency attached by ClinVar (database versions not stated): gnomAD exomes below 0.00001; ExAC 0.00001.
gnomAD v4.1: 2 of 1,611,842 alleles (0.00012%); highest among the groups gnomAD compares: Admixed American, 0.0033%; no homozygotes.

Submissions (2):

Ambry Genetics
Classification: Uncertain significance for Hereditary cancer-predisposing syndrome. Last evaluated: 2024-03-26. Review status: criteria provided, single submitter. Criteria: Ambry Variant Classification Scheme 2023. Collection method: clinical testing. Allele origin: germline.
Comment: The p.E927D variant (also known as c.2781G>T), located in coding exon 27 of the RB1 gene, results from a G to T substitution at nucleotide position 2781. The glutamic acid at codon 927 is replaced by aspartic acid, an amino acid with highly similar properties. This amino acid position is well conserved in available vertebrate species. In addition, this alteration is predicted to be tolerated by in silico analysis. Based on the available evidence, the clinical significance of this alteration remains unclear.

All of Us Research Program, National Institutes of Health
Classification: Uncertain significance for Retinoblastoma. Last evaluated: 2023-08-23. Review status: criteria provided, single submitter. Criteria: ACMG Guidelines, 2015. Collection method: clinical testing. Allele origin: germline. Inheritance: Autosomal dominant inheritance. Observed: 1 variant allele, 1 heterozygote.
Comment: This missense variant replaces glutamic acid with aspartic acid at codon 927 of the RB1 protein. Computational prediction suggests that this variant may not impact protein structure and function (internally defined REVEL score threshold <= 0.5, PMID: 27666373). To our knowledge, functional studies have not been reported for this variant. This variant has not been reported in individuals affected with RB1-related disorders in the literature. This variant has been identified in 1/249684 chromosomes in the general population by the Genome Aggregation Database (gnomAD). The available evidence is insufficient to determine the role of this variant in disease conclusively. Therefore, this variant is classified as a Variant of Uncertain Significance.

This study involves interpretation of variants in research participants for the purpose of population health screening. Participant phenotype was not available at the time of variant classification. Additional details can be found in publication PMID: 35346344, PMCID: PMC8962531